The following is an entry in ClinVar:

ClinVar aggregate classification (germline): Uncertain significance (1 of 4 stars; one submission).

Conditions:
Kabuki syndrome 2 (KABUK2). Also called: KDM6A-Related Kabuki Syndrome. Identifiers: Orphanet 2322, MedGen C3275495, MONDO:0010465, OMIM 300867.

Submission:

Labcorp Genetics (formerly Invitae), Labcorp
Classification: Uncertain significance for Kabuki syndrome 2. Last evaluated: 2024-12-18. Review status: criteria provided, single submitter. Criteria: Invitae Variant Classification Sherloc (09022015). Collection method: clinical testing. Allele origin: germline.
Comment: This sequence change replaces lysine, which is basic and polar, with glutamic acid, which is acidic and polar, at codon 1076 of the KDM6A protein (p.Lys1076Glu). This variant is not present in population databases (gnomAD no frequency). This variant has not been reported in the literature in individuals affected with KDM6A-related conditions. Invitae Evidence Modeling of protein sequence and biophysical properties (such as structural, functional, and spatial information, amino acid conservation, physicochemical variation, residue mobility, and thermodynamic stability) indicates that this missense variant is not expected to disrupt KDM6A protein function with a negative predictive value of 80%. Algorithms developed to predict the effect of sequence changes on RNA splicing suggest that this variant may disrupt the consensus splice site. In summary, the available evidence is currently insufficient to determine the role of this variant in disease. Therefore, it has been classified as a Variant of Uncertain Significance.

NM_001291415.2(KDM6A):c.3382A>G (p.Lys1128Glu)

Gene: KDM6A (lysine demethylase 6A; plus strand). Cytogenetic location: Xp11.3.
Variant type: single nucleotide variant.
Coding change: c.3382A>G on transcript NM_001291415.2 (MANE Select); coding-DNA position 3382, A replaced by G.
Protein change: p.Lys1128Glu; replaces lysine 1128 with glutamic acid.
Molecular consequence: missense variant. On other transcripts: non-coding transcript variant (1).
Genome position (GRCh38, 1-based): chrX:45,082,731, A>G. VCF-style: chrX-45082731-A-G. GRCh37 (hg19) VCF-style: chrX-44941976-A-G.
Other names: c.3247A>G, p.Lys1083Glu (NM_001291416.2, NM_001419811.1); c.3091A>G, p.Lys1031Glu (NM_001291417.2); c.2989A>G, p.Lys997Glu (NM_001291418.2, NM_001419815.1); c.2338A>G, p.Lys780Glu (NM_001291421.2); c.3124A>G, p.Lys1042Glu (NM_001410742.1, NM_001419814.1); c.3382A>G, p.Lys1128Glu (NM_001419809.1); c.3280A>G, p.Lys1094Glu (NM_001419810.1, NM_001419813.1); c.3226A>G, p.Lys1076Glu (NM_001419812.1, NM_021140.4); short protein forms K1042E, K1031E, K1076E, K1094E, K1083E, K1128E, K780E, K997E.
Identifiers: ClinVar variation 3667021 (VCV003667021.2).